The following is an entry in ClinVar:

ClinVar aggregate classification (germline): Uncertain significance (1 of 4 stars; one submission).

Conditions:
Intellectual developmental disorder, X-linked 104. Also called: Intellectual disability, X-linked 104. Identifiers: MedGen C4310817, MONDO:0010509, OMIM 300983.

gnomAD v4.1: 1 of 1,206,365 alleles (0.000083%); highest among the groups gnomAD compares: Non-Finnish European, 0.00011%; no homozygotes.

Submission:

University of Washington Department of Laboratory Medicine, University of Washington
Classification: Uncertain significance for Intellectual developmental disorder, X-linked 104. Last evaluated: 2023-05-03. Review status: criteria provided, single submitter. Criteria: ACMG Guidelines, 2015. Collection method: clinical testing. Allele origin: unknown. Affected: yes.
Comment: The p.Gly1221Asp variant in the FRMPD4 gene has not been previously reported in association with disease and was absent from large population databases, including the Genome Aggregation Database. In silico tools do not consistently predict if the p.Gly1221Asp variant impacts protein function; however, these predictions have not been tested directly. Using ACMG guidelines, this variant was classified as a variant of uncertain significance (ACMG evidence codes used: PM2_supporting).

NM_001368397.1(FRMPD4):c.3662G>A (p.Gly1221Asp)

Gene: FRMPD4 (FERM and PDZ domain containing 4; plus strand). Cytogenetic location: Xp22.2.
Variant type: single nucleotide variant.
Coding change: c.3662G>A on transcript NM_001368397.1 (MANE Select); coding-DNA position 3662, G replaced by A.
Protein change: p.Gly1221Asp; replaces glycine 1221 with aspartic acid.
Molecular consequence: missense variant.
Genome position (GRCh38, 1-based): chrX:12,718,488, G>A. VCF-style: chrX-12718488-G-A. GRCh37 (hg19) VCF-style: chrX-12736607-G-A.
Other names: c.3773G>A, p.Gly1258Asp (NM_001368395.3, NM_001368398.3); c.3668G>A, p.Gly1223Asp (NM_001368396.3); c.3653G>A, p.Gly1218Asp (NM_001368399.3); c.3542G>A, p.Gly1181Asp (NM_001368400.3); c.3638G>A, p.Gly1213Asp (NM_001368401.1, NM_001368402.3); c.3662G>A, p.Gly1221Asp (NM_014728.3); short protein forms G1181D, G1213D, G1218D, G1221D, G1223D, G1258D.
Identifiers: ClinVar variation 3777141 (VCV003777141.1).